The following is an entry in ClinVar:

NM_015404.4(WHRN):c.2307C>T (p.Gly769=)

Gene: WHRN (whirlin; minus strand). Cytogenetic location: 9q32.
Variant type: single nucleotide variant.
Coding change: c.2307C>T on transcript NM_015404.4 (MANE Select); coding-DNA position 2307, C replaced by T.
Protein change: p.Gly769=; no amino-acid change (glycine 769 retained).
Molecular consequence: synonymous variant.
Genome position (GRCh38, 1-based): chr9:114,404,007, G>A on the plus strand (C>T on the coding strand, the complement: WHRN is on the minus strand). VCF-style: chr9-114404007-G-A. GRCh37 (hg19) VCF-style: chr9-117166287-G-A.
Other names: c.1158C>T, p.Gly386= (NM_001083885.3); c.2304C>T, p.Gly768= (NM_001173425.2); c.1254C>T, p.Gly418= (NM_001346890.1).
Identifiers: ClinVar variation 1064949 (VCV001064949.13), dbSNP rs148971049, ClinGen allele CA5205670.

ClinVar aggregate classification (germline): Conflicting classifications of pathogenicity. Review status: criteria provided, conflicting classifications (1 of 4 stars). 3 submissions from 3 submitters: Uncertain significance (1); Likely benign (2). Last evaluated 2025-09-19.

Conditions:
Hearing impairment. Also called: Impaired Hearing. Identifiers: MedGen C1384666, MONDO:0005365, HP:0000365.

Allele frequency attached by ClinVar (database versions not stated): gnomAD 0.00006 and 0.00007; ExAC 0.00008; ESP Exome Variant Server 0.00008; gnomAD exomes 0.00010 and 0.00011; TOPMed 0.00010; 1000 Genomes Project 30x 0.00016; 1000 Genomes Project 0.00020.
gnomAD v4.1: 162 of 1,613,122 alleles (0.01%); highest among the groups gnomAD compares: Admixed American, 0.04%; no homozygotes.

Submissions (3):

Labcorp Genetics (formerly Invitae), Labcorp
Classification: Likely benign. Last evaluated: 2025-09-19. Review status: criteria provided, single submitter. Criteria: Invitae Variant Classification Sherloc (09022015). Collection method: clinical testing. Allele origin: germline.

Blueprint Genetics
Classification: Uncertain significance. Last evaluated: 2024-08-19. Review status: criteria provided, single submitter. Criteria: ACMG Guidelines, 2015. Collection method: clinical testing. Allele origin: germline.

Department of Otolaryngology – Head & Neck Surgery, Cochlear Implant Center
Classification: Likely benign for Hearing impairment. Last evaluated: 2021-04-12. Review status: criteria provided, single submitter. Criteria: ClinGen HL ACMG Specifications v1. Collection method: clinical testing. Allele origin: germline. Affected: yes.
Comment: PM2_Moderate, BP4_Supporting, BP7_Supporting